The following is an entry in ClinVar:

NM_002739.5(PRKCG):c.1329G>A (p.Met443Ile)

Gene: PRKCG (protein kinase C gamma; plus strand). Cytogenetic location: 19q13.42.
Variant type: single nucleotide variant.
Coding change: c.1329G>A on transcript NM_002739.5 (MANE Select); coding-DNA position 1329, G replaced by A.
Protein change: p.Met443Ile; replaces methionine 443 with isoleucine.
Molecular consequence: missense variant.
Genome position (GRCh38, 1-based): chr19:53,900,280, G>A. VCF-style: chr19-53900280-G-A. GRCh37 (hg19) VCF-style: chr19-54403534-G-A.
Other names: c.1329G>A, p.Met443Ile (NM_001316329.2); short protein forms M443I.
Identifiers: ClinVar variation 5041612 (VCV005041612.1).

ClinVar aggregate classification (germline): Uncertain significance (1 of 4 stars; one submission).

Submission:

CeGaT Center for Human Genetics Tuebingen
Classification: Uncertain significance. Last evaluated: 2026-09-01. Review status: criteria provided, single submitter. Criteria: CeGaT Center For Human Genetics Tuebingen Variant Classification Criteria Version 2. Collection method: clinical testing. Allele origin: germline. Affected: yes. Observed: 1 variant allele.
Comment: PRKCG: PM2